The following is an entry in ClinVar:

ClinVar aggregate classification (germline): Likely pathogenic. Review status: criteria provided, multiple submitters, no conflicts (2 of 4 stars). 2 submissions from 2 submitters: Likely pathogenic (2). Last evaluated 2022-06-23.

Conditions:
Dilated cardiomyopathy 1G (CMD1G). Identifiers: Orphanet 154, MedGen C1858763, MONDO:0011400, OMIM 604145.
Autosomal recessive limb-girdle muscular dystrophy type 2J (LGMDR10). Also called: MUSCULAR DYSTROPHY, LIMB-GIRDLE, AUTOSOMAL RECESSIVE 10; Limb-girdle muscular dystrophy, type 2J. Identifiers: Orphanet 140922, MedGen C1837342, MONDO:0012127, OMIM 608807.
Cardiovascular phenotype. Identifiers: MedGen CN230736.

Submissions (2):

Labcorp Genetics (formerly Invitae), Labcorp
Classification: Likely pathogenic for Dilated cardiomyopathy 1G; Autosomal recessive limb-girdle muscular dystrophy type 2J. Last evaluated: 2022-06-23. Review status: criteria provided, single submitter. Criteria: Invitae Variant Classification Sherloc (09022015). Collection method: clinical testing. Allele origin: germline.
Comment: This variant is not present in population databases (gnomAD no frequency). This variant has not been reported in the literature in individuals affected with TTN-related conditions. This variant is located in the A band of TTN (PMID: 25589632). Truncating variants in this region are significantly overrepresented in patients affected with dilated cardiomyopathy (PMID: 25589632). Truncating variants in this region have also been reported in individuals affected with autosomal recessive centronuclear myopathy (PMID: 23975875). In summary, the currently available evidence indicates that the variant is pathogenic, but additional data are needed to prove that conclusively. Therefore, this variant has been classified as Likely Pathogenic. This sequence change creates a premature translational stop signal (p.Ile18764Profs*5) in the TTN gene. While this is not anticipated to result in nonsense mediated decay, it is expected to create a truncated TTN protein.

Ambry Genetics
Classification: Likely pathogenic for Cardiovascular phenotype. Last evaluated: 2021-09-16. Review status: criteria provided, single submitter. Criteria: Ambry Variant Classification Scheme 2023. Collection method: clinical testing. Allele origin: germline.
Comment: The c.29092_29093dupAC variant, located in coding exon 116 of the TTN gene, results from a duplication of AC at nucleotide position 29092, causing a translational frameshift with a predicted alternate stop codon (p.I9699Pfs*5). This exon is located in the A-band region of the N2-B isoform of the titin protein and is constitutively expressed in TTN transcripts (percent spliced in or PSI 100%). This variant is considered to be rare based on population cohorts in the Genome Aggregation Database (gnomAD). This alteration is expected to result in loss of function by premature protein truncation or nonsense-mediated mRNA decay. While truncating variants in TTN are present in 1-3% of the general population, truncating variants in the A-band are the most common cause of dilated cardiomyopathy (DCM) (Herman DS et al. N. Engl. J. Med., 2012 Feb;366:619-28; Roberts AM et al. Sci Transl Med, 2015 Jan;7:270ra6). TTN truncating variants encoded in constitutive exons (PSI >90%) have been found to be significantly associated with DCM regardless of their position in titin (Schafer S et al. Nat. Genet., 2017 01;49:46-53). As such, this alteration is classified as likely pathogenic.

Literature cited by the submitters: PubMed 25589632 (cited by Labcorp Genetics (formerly Invitae), Labcorp); PubMed 23975875 (cited by Labcorp Genetics (formerly Invitae), Labcorp).

NM_001267550.2(TTN):c.56287_56288dup (p.Ile18764fs)

Genes: TTN (titin; minus strand), TTN-AS1 (TTN antisense RNA 1; plus strand). Cytogenetic location: 2q31.2.
Variant type: Duplication.
Coding change: c.56287_56288dup on transcript NM_001267550.2 (MANE Select); coding-DNA positions 56287 to 56288, 2 bases duplicated (AC; older notation c.56287_56288dupAC).
Protein change: p.Ile18764fs; shifts the reading frame from isoleucine 18764.
Molecular consequence: frameshift variant. On other transcripts: non-coding transcript variant (1).
Genome position (GRCh38, 1-based): chr2:178,599,613-178,599,614, GT duplicated on the plus strand (AC on the coding strand, the reverse complement: TTN is on the minus strand). VCF-style (leftmost placement, unchanged base first): chr2-178599612-G-GGT. GRCh37 (hg19) VCF-style: chr2-179464339-G-GGT.
Other names: c.51364_51365dup, p.Ile17123fs (NM_001256850.1); c.29092_29093dup, p.Ile9699fs (NM_003319.4); c.48583_48584dup, p.Ile16196fs (NM_133378.4); c.29467_29468dup, p.Ile9824fs (NM_133432.3); c.29668_29669dup, p.Ile9891fs (NM_133437.4); c.29092_29093dupAC (NM_003319.4); short protein forms I16196fs, I17123fs, I18764fs, I9699fs, I9891fs, I9824fs.
Identifiers: ClinVar variation 1797537 (VCV001797537.7), dbSNP rs2469901335, ClinGen allele CA2580064869.